The following is an entry in ClinVar:

NM_001365276.2(TNXB):c.5362A>T (p.Thr1788Ser)

Gene: TNXB (tenascin XB; minus strand). Cytogenetic location: 6p21.33.
Variant type: single nucleotide variant.
Coding change: c.5362A>T on transcript NM_001365276.2 (MANE Select); coding-DNA position 5362, A replaced by T.
Protein change: p.Thr1788Ser; replaces threonine 1788 with serine.
Molecular consequence: missense variant.
Genome position (GRCh38, 1-based): chr6:32,069,778, T>A on the plus strand (A>T on the coding strand, the complement: TNXB is on the minus strand). VCF-style: chr6-32069778-T-A. GRCh37 (hg19) VCF-style: chr6-32037555-T-A.
Other names: c.5362A>T, p.Thr1788Ser (NM_019105.8); short protein forms T1788S.
Identifiers: ClinVar variation 1747075 (VCV001747075.2), dbSNP rs776678463, ClinGen allele CA363413621.

ClinVar aggregate classification (germline): Uncertain significance (1 of 4 stars; one submission).

Conditions:
Cardiovascular phenotype. Identifiers: MedGen CN230736.

Allele frequency attached by ClinVar (database versions not stated): TOPMed below 0.00001.
gnomAD v4.1: 1 of 1,610,836 alleles (0.000062%); highest among the groups gnomAD compares: Non-Finnish European, 0.000085%; no homozygotes.

Submission:

Ambry Genetics
Classification: Uncertain significance for Cardiovascular phenotype. Last evaluated: 2022-07-23. Review status: criteria provided, single submitter. Criteria: Ambry Variant Classification Scheme 2023. Collection method: clinical testing. Allele origin: germline.
Comment: The p.T1788S variant (also known as c.5362A>T), located in coding exon 14 of the TNXB gene, results from an A to T substitution at nucleotide position 5362. The threonine at codon 1788 is replaced by serine, an amino acid with similar properties. This amino acid position is conserved. In addition, this alteration is predicted to be tolerated by in silico analysis. Since supporting evidence is limited at this time, the clinical significance of this alteration remains unclear.